The following is an entry in ClinVar:

NM_000179.3(MSH6):c.402dup (p.Asp135Ter)

Gene: MSH6 (mutS homolog 6; plus strand). Cytogenetic location: 2p16.3.
Variant type: Duplication.
Coding change: c.402dup on transcript NM_000179.3 (MANE Select); coding-DNA position 402, one base duplicated (T; older notation c.402dupT).
Protein change: p.Asp135Ter; replaces aspartic acid 135 with a stop codon.
Molecular consequence: nonsense. On other transcripts: 5 prime UTR variant (2), intron variant (1).
Genome position (GRCh38, 1-based): chr2:47,791,068, T duplicated; the last of 6 consecutive T bases (chr2:47,791,063-47,791,068); duplicating any one gives the same sequence. VCF-style (leftmost placement, unchanged base first): chr2-47791062-G-GT. GRCh37 (hg19) VCF-style: chr2-48018201-G-GT.
Other names: c.-335dup (NM_001281493.2); c.-501dup (NM_001281494.2); c.238-7543dup (NM_001281492.2); c.402dupT (NM_000179.2); short protein forms D135*.
Identifiers: ClinVar variation 393460 (VCV000393460.6), dbSNP rs1057524912, ClinGen allele CA16609276.

ClinVar aggregate classification (germline): Pathogenic. Review status: criteria provided, multiple submitters, no conflicts (2 of 4 stars). 3 submissions from 3 submitters: Pathogenic (2). 1 of the submissions does not count toward it. Last evaluated 2023-08-10.

Conditions:
Lynch syndrome 5 (LYNCH5). Also called: Hereditary non-polyposis colorectal cancer, type 5; Colorectal cancer, hereditary nonpolyposis, type 5. Identifiers: Orphanet 144, MedGen C1833477, MONDO:0013710, OMIM 614350. Disease mechanism: loss of function.
Hereditary cancer-predisposing syndrome. Also called: Neoplastic Syndromes, Hereditary; Hereditary Cancer Syndrome; Tumor predisposition; Hereditary neoplastic syndrome. Identifiers: Orphanet 140162, MedGen C0027672, MeSH D009386, MONDO:0015356.

Submissions (3):

Myriad Genetics, Inc.
Classification: Pathogenic for Lynch syndrome 5. Last evaluated: 2023-08-10. Review status: criteria provided, single submitter. Criteria: Myriad Autosomal Dominant, Autosomal Recessive and X-Linked Classification Criteria (2023). Collection method: clinical testing. Allele origin: unknown.
Comment: This variant is considered pathogenic. This variant creates a termination codon and is predicted to result in premature protein truncation.

Ambry Genetics
Classification: Pathogenic for Hereditary cancer-predisposing syndrome. Last evaluated: 2022-12-14. Review status: criteria provided, single submitter. Criteria: Ambry Variant Classification Scheme 2023. Collection method: clinical testing. Allele origin: germline.
Comment: The c.402dupT pathogenic mutation, located in coding exon 2 of the MSH6 gene, results from a duplication of T at nucleotide position 402, causing a translational frameshift with a predicted alternate stop codon (p.D135*). This alteration is expected to result in loss of function by premature protein truncation or nonsense-mediated mRNA decay. As such, this alteration is interpreted as a disease-causing mutation.

Genetic Laboratory, Instituto Nacional de Cancer
Classification: Pathogenic. Last evaluated: 2016-01-11. Review status: no assertion criteria provided. Collection method: research. Allele origin: germline. Affected: yes. Observed: 1 heterozygote. Not counted in ClinVar's aggregate classification.